The following is an entry in ClinVar:

ClinVar aggregate classification (germline): Uncertain significance (1 of 4 stars; one submission).

Conditions:
Radio-Tartaglia syndrome. Identifiers: Orphanet 662234, MedGen C5543339, MONDO:0859143, OMIM 619312.

Submission:

Juno Genomics, Hangzhou Juno Genomics, Inc
Classification: Uncertain significance for Radio-Tartaglia syndrome. Review status: criteria provided, single submitter. Criteria: ACMG Guidelines, 2015. Collection method: clinical testing. Allele origin: germline.
Comment: Absent from controls (or at extremely low frequency if recessive) in Genome Aggregation Database.;Missense variant in a gene that has a low rate of benign missense variation.

NM_015001.3(SPEN):c.133G>A (p.Gly45Arg)

Gene: SPEN (spen family transcriptional repressor; plus strand). Cytogenetic location: 1p36.21.
Variant type: single nucleotide variant.
Coding change: c.133G>A on transcript NM_015001.3 (MANE Select); coding-DNA position 133, G replaced by A.
Protein change: p.Gly45Arg; replaces glycine 45 with arginine.
Molecular consequence: missense variant.
Genome position (GRCh38, 1-based): chr1:15,872,865, G>A. VCF-style: chr1-15872865-G-A. GRCh37 (hg19) VCF-style: chr1-16199360-G-A.
Other names: short protein forms G45R.
Identifiers: ClinVar variation 5019190 (VCV005019190.2).